The following is an entry in ClinVar:

NM_003482.4(KMT2D):c.14653G>A (p.Ala4885Thr)

Gene: KMT2D (lysine methyltransferase 2D; minus strand). Cytogenetic location: 12q13.12.
Variant type: single nucleotide variant.
Coding change: c.14653G>A on transcript NM_003482.4 (MANE Select); coding-DNA position 14653, G replaced by A.
Protein change: p.Ala4885Thr; replaces alanine 4885 with threonine.
Molecular consequence: missense variant.
Genome position (GRCh38, 1-based): chr12:49,027,313, C>T on the plus strand (G>A on the coding strand, the complement: KMT2D is on the minus strand). VCF-style: chr12-49027313-C-T. GRCh37 (hg19) VCF-style: chr12-49421096-C-T.
Other names: short protein forms A4885T.
Identifiers: ClinVar variation 2186985 (VCV002186985.6), dbSNP rs756477886, ClinGen allele CA6545681.

ClinVar aggregate classification (germline): Conflicting classifications of pathogenicity. Review status: criteria provided, conflicting classifications (1 of 4 stars). 3 submissions from 3 submitters: Uncertain significance (2); Benign (1). Last evaluated 2025-08-15.

Conditions:
Choanal atresia-athelia-hypothyroidism-delayed puberty-short stature syndrome (BCAHH). Also called: BRANCHIAL ARCH ABNORMALITIES, CHOANAL ATRESIA, ATHELIA, HEARING LOSS, AND HYPOTHYROIDISM SYNDROME. Identifiers: Orphanet 589856, MedGen C5680310, MONDO:0035651, OMIM 620186.
Kabuki syndrome 1 (KABUK1). Also called: KMT2D-Related Kabuki Syndrome. Identifiers: Orphanet 2322, MedGen CN030661, MONDO:0007843, OMIM 147920.
KMT2D-related disorder. Also called: KMT2D-Related Disorders.
Kabuki syndrome. Also called: NIIKAWA-KUROKI SYNDROME; Kabuki make-up syndrome. Identifiers: Orphanet 2322, MedGen C0796004, MONDO:0016512.

Allele frequency attached by ClinVar (database versions not stated): gnomAD exomes below 0.00001; ExAC 0.00002; gnomAD 0.00002.
gnomAD v4.1: 10 of 1,523,072 alleles (0.00066%); highest among the groups gnomAD compares: South Asian, 0.004%; no homozygotes.

Submissions (3):

PreventionGenetics, part of Exact Sciences
Classification: Uncertain significance for KMT2D-related condition. Last evaluated: 2025-08-15. Review status: criteria provided, single submitter. Criteria: ACMG Guidelines, 2015. Collection method: clinical testing. Allele origin: germline.
Comment: The KMT2D c.14653G>A variant is predicted to result in the amino acid substitution p.Ala4885Thr. To our knowledge, this variant has not been reported in the literature. This variant is reported in 0.0069% of alleles in individuals of South Asian descent in gnomAD. At this time, the clinical significance of this variant is uncertain due to the absence of conclusive functional and genetic evidence.

Labcorp Genetics (formerly Invitae), Labcorp
Classification: Benign for Kabuki syndrome. Last evaluated: 2025-06-19. Review status: criteria provided, single submitter. Criteria: Invitae Variant Classification Sherloc (09022015). Collection method: clinical testing. Allele origin: germline.

Fulgent Genetics
Classification: Uncertain significance for Kabuki syndrome 1; Choanal atresia-athelia-hypothyroidism-delayed puberty-short stature syndrome. Last evaluated: 2024-03-06. Review status: criteria provided, single submitter. Criteria: ACMG Guidelines, 2015. Collection method: clinical testing. Allele origin: germline.